The following is an entry in ClinVar:

NM_019616.4(F7):c.1216T>C (p.Cys406Arg)

Gene: F7 (coagulation factor VII; plus strand). Cytogenetic location: 13q34.
Variant type: single nucleotide variant.
Coding change: c.1216T>C on transcript NM_019616.4 (MANE Select); coding-DNA position 1216, T replaced by C.
Protein change: p.Cys406Arg; replaces cysteine 406 with arginine.
Molecular consequence: missense variant. On other transcripts: non-coding transcript variant (1).
Genome position (GRCh38, 1-based): chr13:113,118,889, T>C. VCF-style: chr13-113118889-T-C. GRCh37 (hg19) VCF-style: chr13-113773203-T-C.
Other names: c.1282T>C, p.Cys428Arg (NM_000131.5); c.1030T>C, p.Cys344Arg (NM_001267554.2); short protein forms C344R, C406R, C428R.
Identifiers: ClinVar variation 1709549 (VCV001709549.2), dbSNP rs2503057326, ClinGen allele CA388787006.

ClinVar aggregate classification (germline): Uncertain significance (1 of 4 stars; one submission).

Conditions:
Congenital factor VII deficiency. Identifiers: Orphanet 327, MedGen C0272320, MONDO:0009211, OMIM 227500.

Allele frequency attached by ClinVar (database versions not stated): gnomAD exomes below 0.00001.
gnomAD v4.1: 1 of 1,612,506 alleles (0.000062%); highest among the groups gnomAD compares: Non-Finnish European, 0.000085%; no homozygotes.

Submission:

MGZ Medical Genetics Center
Classification: Uncertain significance for Congenital factor VII deficiency. Last evaluated: 2022-05-23. Review status: criteria provided, single submitter. Criteria: ACMG Guidelines, 2015. Collection method: clinical testing. Allele origin: germline. Affected: yes. Observed: 2 variant alleles.
Comment: ACMG criteria applied: PM2_SUP, PP3